The following is an entry in ClinVar:

ClinVar aggregate classification (germline): Uncertain significance (1 of 4 stars; one submission).

Conditions:
Atypical hemolytic-uremic syndrome. Identifiers: Orphanet 2134, MedGen C2931788, MONDO:0016244.

gnomAD v4.1: 9 of 1,614,190 alleles (0.00056%); highest among the groups gnomAD compares: Middle Eastern, 0.049%; no homozygotes.

Submission:

Genomenon, Inc
Classification: Uncertain significance for Atypical hemolytic-uremic syndrome. Last evaluated: 2025-09-26. Review status: criteria provided, single submitter. Criteria: Genomenon Sequence Variant Interpretation Standards - Updated. Collection method: curation. Allele origin: germline. Affected: yes.
Comment: CFI p.Ser146Arg (c.436A>C) is a missense variant that changes the amino acid at residue 146 from Serine to Arginine. This variant has been observed in at least one proband affected with atypical hemolytic-uremic syndrome (PMID:27268256). It is absent or not present at a significant frequency in gnomAD. In silico models agree that this variant is not damaging. In conclusion, we classify CFI p.Ser146Arg (c.436A>C) as a variant of unknown significance.

Literature cited by the submitters: PubMed 27268256.

NM_000204.5(CFI):c.436A>C (p.Ser146Arg)

Gene: CFI (complement factor I; minus strand). Cytogenetic location: 4q25.
Variant type: single nucleotide variant.
Coding change: c.436A>C on transcript NM_000204.5 (MANE Select); coding-DNA position 436, A replaced by C.
Protein change: p.Ser146Arg; replaces serine 146 with arginine.
Molecular consequence: missense variant. On other transcripts: non-coding transcript variant (3), intron variant (1).
Genome position (GRCh38, 1-based): chr4:109,764,583, T>G on the plus strand (A>C on the coding strand, the complement: CFI is on the minus strand). VCF-style: chr4-109764583-T-G. GRCh37 (hg19) VCF-style: chr4-110685739-T-G.
Other names: c.436A>C, p.Ser146Arg (NM_001375283.1, NM_001440985.1, NM_001440986.1 and 10 more transcripts); c.-127-2891A>C (NM_001375284.1); short protein forms S146R.
Identifiers: ClinVar variation 4280541 (VCV004280541.1).